The following is an entry in ClinVar:

ClinVar aggregate classification (germline): Uncertain significance (1 of 4 stars; one submission).

Conditions:
Pulmonary fibrosis and/or bone marrow failure, Telomere-related, 3. Also called: PULMONARY FIBROSIS AND/OR BONE MARROW FAILURE SYNDROME, TELOMERE-RELATED, 3. Identifiers: Orphanet 2032, MedGen C4225346, MONDO:0014613, OMIM 616373.
Dyskeratosis congenita, autosomal recessive 5 (DKCB5). Identifiers: MedGen C3554656, MONDO:0014076, OMIM 615190.

Submission:

Labcorp Genetics (formerly Invitae), Labcorp
Classification: Uncertain significance for Dyskeratosis congenita, autosomal recessive 5; Pulmonary fibrosis and/or bone marrow failure, Telomere-related, 3. Last evaluated: 2024-03-21. Review status: criteria provided, single submitter. Criteria: Invitae Variant Classification Sherloc (09022015). Collection method: clinical testing. Allele origin: germline.
Comment: This variant, c.3053_3070dup, results in the insertion of 6 amino acid(s) of the RTEL1 protein (p.Pro1018_Asn1023dup), but otherwise preserves the integrity of the reading frame. This variant is present in population databases (rs778659320, gnomAD 0.003%). This variant has not been reported in the literature in individuals affected with RTEL1-related conditions. Experimental studies and prediction algorithms are not available or were not evaluated, and the functional significance of this variant is currently unknown. In summary, the available evidence is currently insufficient to determine the role of this variant in disease. Therefore, it has been classified as a Variant of Uncertain Significance.

NM_001283009.2(RTEL1):c.3053_3070dup (p.Asn1023_Gln1024insProGlnGluHisLeuAsn)

Genes: RTEL1 (regulator of telomere elongation helicase 1; plus strand), RTEL1-TNFRSF6B (RTEL1-TNFRSF6B readthrough (NMD candidate); plus strand). Cytogenetic location: 20q13.33.
Variant type: Duplication.
Coding change: c.3053_3070dup on transcript NM_001283009.2 (MANE Select); coding-DNA positions 3053 to 3070, 18 bases duplicated (CCCAAGAGCACCTGAACC).
Protein change: p.Asn1023_Gln1024insProGlnGluHisLeuAsn.
Molecular consequence: inframe insertion. On other transcripts: non-coding transcript variant (1).
Genome position (GRCh38, 1-based): chr20:63,694,432-63,694,449, CCCAAGAGCACCTGAACC duplicated; duplicating any 18 consecutive bases within chr20:63,694,429-63,694,449 gives the same sequence; the c. name uses the placement nearest the transcript's 3' end. VCF-style (leftmost placement, unchanged base first): chr20-63694428-G-GACCCCCAAGAGCACCTGA. GRCh37 (hg19) VCF-style: chr20-62325781-G-GACCCCCAAGAGCACCTGA.
Other names: c.2384_2401dup, p.Asn800_Gln801insProGlnGluHisLeuAsn (NM_001283010.1); c.3053_3070dup, p.Asn1023_Gln1024insProGlnGluHisLeuAsn (NM_016434.4); c.3125_3142dup, p.Asn1047_Gln1048insProGlnGluHisLeuAsn (NM_032957.5).
Identifiers: ClinVar variation 3755465 (VCV003755465.2).
Genomic context (GRCh38, chr20:63,694,428, plus strand): 5'-TCAGGAAGAACGGCGCCGGATCCCAAGCTGACCGTGTCCACGGCTGCAGCCCAGCAGCTG[G>GACCCCCAAGAGCACCTGA]ACCCCCAAGAGCACCTGAACCAGGGCAGGCCCCACCTGTCGCCCAGGCCACCCCCAACAG-3'